The following is an entry in ClinVar:

NM_001379081.2(FREM1):c.1512C>T (p.His504=)

Gene: FREM1 (FRAS1 related extracellular matrix 1; minus strand). Cytogenetic location: 9p22.3.
Variant type: single nucleotide variant.
Coding change: c.1512C>T on transcript NM_001379081.2 (MANE Select); coding-DNA position 1512, C replaced by T.
Protein change: p.His504=; no amino-acid change (histidine 504 retained).
Molecular consequence: synonymous variant. On other transcripts: non-coding transcript variant (2).
Genome position (GRCh38, 1-based): chr9:14,842,542, G>A on the plus strand (C>T on the coding strand, the complement: FREM1 is on the minus strand). VCF-style: chr9-14842542-G-A. GRCh37 (hg19) VCF-style: chr9-14842540-G-A.
Other names: p.His504=; c.1512C>T, p.His504= (NM_144966.7).
Identifiers: ClinVar variation 366158 (VCV000366158.16), dbSNP rs61735720, ClinGen allele CA4991214.
Genomic context (GRCh38, chr9:14,842,542, plus strand): 5'-GAGGAACGGGGGACTATCATCTTTGGGCAAGACGTTGATGGGGAATTTGTGACGGATGCT[G>A]TGATGGCCATCAAATATCCGGAAGACCACGAAGTCTTTGGTGGAGTCGCTGTCATCATGA-3'
Protein context (NP_001366010.1, residues 494-514): FVVFRIFDGH[His504=]SIRHKFPINV

ClinVar aggregate classification (germline): Benign. Review status: criteria provided, multiple submitters, no conflicts (2 of 4 stars). 4 submissions from 4 submitters: Benign (4). Last evaluated 2026-01-27.

Conditions:
Oculotrichoanal syndrome (MOTA). Also called: MARLES SYNDROME; Manitoba Oculotrichoanal (MOTA) Syndrome. Identifiers: Orphanet 2717, MedGen C1855425, MONDO:0009560, OMIM 248450.

Allele frequency attached by ClinVar (database versions not stated): gnomAD exomes 0.00153 and 0.00387; ExAC 0.00436; 1000 Genomes Project 0.01458; gnomAD 0.01516 and 0.01644; ESP Exome Variant Server 0.01599; 1000 Genomes Project 30x 0.01608; TOPMed 0.01678.
gnomAD v4.1: 4,600 of 1,613,880 alleles (0.29%); highest among the groups gnomAD compares: African/African-American, 5.4%; 120 homozygotes.

Submissions (4):

Labcorp Genetics (formerly Invitae), Labcorp
Classification: Benign. Last evaluated: 2026-01-27. Review status: criteria provided, single submitter. Criteria: Invitae Variant Classification Sherloc (09022015). Collection method: clinical testing. Allele origin: germline.

Mayo Clinic Laboratories, Mayo Clinic
Classification: Benign. Last evaluated: 2023-04-12. Review status: criteria provided, single submitter. Criteria: ACMG Guidelines, 2015. Collection method: clinical testing. Allele origin: germline. Observed: 2 variant alleles.

Illumina Laboratory Services, Illumina
Classification: Benign for Oculotrichoanal syndrome. Last evaluated: 2018-01-13. Review status: criteria provided, single submitter. Criteria: ICSL Variant Classification Criteria 13 December 2019. Collection method: clinical testing. Allele origin: germline.
Comment: This variant was observed in the ICSL laboratory as part of a predisposition screen in an ostensibly healthy population. It had not been previously curated by ICSL or reported in the Human Gene Mutation Database (HGMD: prior to June 1st, 2018), and was therefore a candidate for classification through an automated scoring system. Utilizing variant allele frequency, disease prevalence and penetrance estimates, and inheritance mode, an automated score was calculated to assess if this variant is too frequent to cause the disease. Based on the score and internal cut-off values, a variant classified as benign is not then subjected to further curation. The score for this variant resulted in a classification of benign for this disease.

Breakthrough Genomics
Classification: Benign. Review status: criteria provided, single submitter. Criteria: ACMG Guidelines, 2015. Collection method: not provided. Allele origin: germline. Inheritance: Autosomal recessive inheritance. Affected: yes.